The following is an entry in ClinVar:

NM_000260.4(MYO7A):c.5880CTT[2] (p.Phe1963del)

Gene: MYO7A (myosin VIIA; plus strand). Cytogenetic location: 11q13.5.
Variant type: Microsatellite.
Coding change: c.5880CTT[2] on transcript NM_000260.4 (MANE Select); two copies in a row of the 3-base unit CTT starting at c.5880; the reference has three copies in a row; one copy, 3 bases deleted; also written c.5886_5888del.
Protein change: p.Phe1963del; deletes phenylalanine 1963.
Molecular consequence: inframe deletion.
Genome position (GRCh38, 1-based): chr11:77,208,459-77,208,461, CTT deleted; deleting any 3 consecutive bases within chr11:77,208,453-77,208,461 gives the same sequence; the position shown is the placement nearest the transcript's 3' end. VCF-style (leftmost placement, unchanged base first): chr11-77208452-ACTT-A. GRCh37 (hg19) VCF-style: chr11-76919497-ACTT-A.
Other names: c.5886_5888del (NM_000260.3, NM_000260.4); c.5766CTT[2], p.Phe1925del (NM_001127180.2); c.5733CTT[2], p.Phe1914del (NM_001369365.1); short protein forms F1963del, F1914del, F1925del.
Identifiers: ClinVar variation 43308 (VCV000043308.40), dbSNP rs111033232, ClinGen allele CA278698.

ClinVar aggregate classification (germline): Pathogenic/Likely pathogenic. Review status: criteria provided, multiple submitters, no conflicts (2 of 4 stars). 9 submissions from 9 submitters: Pathogenic (6); Likely pathogenic (2). 1 of the submissions does not count toward it. Last evaluated 2025-02-18.

Conditions:
MYO7A-related disorder. Also called: MYO7A-related disorders.
Autosomal recessive nonsyndromic hearing loss 2. Also called: DEAFNESS, AUTOSOMAL RECESSIVE 2; NEUROSENSORY NONSYNDROMIC RECESSIVE DEAFNESS 2. Identifiers: Orphanet 90636, MedGen C1838701, MONDO:0010807, OMIM 600060.
Usher syndrome type 1 (USH1). Also called: RETINITIS PIGMENTOSA AND CONGENITAL DEAFNESS. Identifiers: Orphanet 231169, Orphanet 886, MedGen C1568247, MONDO:0010168, OMIM 276900.
Retinitis pigmentosa (RP). Identifiers: Orphanet 791, MedGen C0035334, MeSH D012174, MONDO:0019200, OMIM 268000. Inheritance: Autosomal dominant, autosomal recessive and X linked inheritance.
Rare genetic deafness. Identifiers: Orphanet 96210, MedGen C5680250.
Usher syndrome type 1B (USH1B). Also called: Usher syndrome type IB. Identifiers: MedGen C1848638, MONDO:0700087.

Submissions (9):

Natera, Inc.
Classification: Pathogenic for Usher syndrome type 1B. Last evaluated: 2025-02-18. Review status: criteria provided, single submitter. Criteria: Natera Variant Classification Schema (03/2026). Collection method: clinical testing. Allele origin: germline.
Comment: The c.5886_5888delCTT variant in MYO7A is an in-frame deletion predicted to remove phenylalanine at amino acid 1963 while preserving the reading frame. This variant is rare in the general population with a frequency below the threshold expected for the associated phenotype(s). This variant has been observed in one or more individuals affected with the associated recessive disease, as either homozygous or compound heterozygous with a second variant (PMID: 27460420, 21436283). This variant has been found together with another disease-causing variant in the same copy of the gene (PMID: 21436283). Computational prediction algorithms indicate this variant is likely to affect gene or protein function. Given the available evidence, this variant is classified as Pathogenic.

Blueprint Genetics
Classification: Pathogenic for MYO7A-related disorders. Last evaluated: 2024-08-06. Review status: criteria provided, single submitter. Criteria: ACMG Guidelines, 2015. Collection method: clinical testing. Allele origin: germline. Affected: yes. Observed: 5 variant alleles.

Labcorp Genetics (formerly Invitae), Labcorp
Classification: Pathogenic. Last evaluated: 2024-07-23. Review status: criteria provided, single submitter. Criteria: Invitae Variant Classification Sherloc (09022015). Collection method: clinical testing. Allele origin: germline.
Comment: This variant, c.5886_5888del, results in the deletion of 1 amino acid(s) of the MYO7A protein (p.Phe1963del), but otherwise preserves the integrity of the reading frame. This variant is present in population databases (rs745646247, gnomAD 0.02%). This variant has been observed in individual(s) with autosomal recessive Usher syndrome (PMID: 16679490, 24199935, 29142287, 30459346, 31479088). In at least one individual the data is consistent with being in trans (on the opposite chromosome) from a pathogenic variant. This variant is also known as p.Phe1962del. ClinVar contains an entry for this variant (Variation ID: 43308). For these reasons, this variant has been classified as Pathogenic.

Genomic Medicine Center of Excellence, King Faisal Specialist Hospital and Research Centre
Classification: Likely pathogenic for Usher syndrome type 1. Last evaluated: 2024-03-25. Review status: criteria provided, single submitter. Criteria: ACMG Guidelines, 2015. Collection method: clinical testing. Allele origin: germline.

Revvity Omics, Revvity
Classification: Likely pathogenic. Last evaluated: 2023-01-30. Review status: criteria provided, single submitter. Criteria: ACMG Guidelines, 2015. Collection method: clinical testing. Allele origin: germline.

3billion
Classification: Pathogenic for Usher syndrome type 1. Last evaluated: 2022-01-03. Review status: criteria provided, single submitter. Criteria: ACMG Guidelines, 2015. Collection method: clinical testing. Allele origin: germline. Affected: yes. Observed: 1 heterozygote.
Comment: The variant has been reported at least twice as pathogenic/likely pathogenic with clinical assertions and evidence for the classification (ClinVar ID: VCV000043308, PMID:16679490).It is observed at an extremely low frequency in the gnomAD v2.1.1 dataset (total allele frequency: 0.000043, PM2_M). This inframe deletion in the non-repeat region can change the length of the protein and disrupt protein function (PM4_M). The variant has been reported to be in trans with a pathogenic variant as either compound heterozygous or homozygous in at least 2 similarly affected unrelated individuals(PMID: 16679490, 30459346, 29142287, PM3_S). Therefore, this variant is classified as pathogenic according to the recommendation of ACMG/AMP guideline.

Ocular Genomics Institute, Massachusetts Eye and Ear
Classification: Pathogenic for Usher syndrome type 1. Last evaluated: 2021-04-08. Review status: criteria provided, single submitter. Criteria: ACMG Guidelines, 2015. Collection method: research. Allele origin: germline. Affected: yes.
Comment: Through a review of available evidence we were able to apply the following criteria: PVS1, PM2, PP1, PM3. Based on this evidence we have classified this variant as Pathogenic.

Laboratory for Molecular Medicine, Mass General Brigham Personalized Medicine
Classification: Pathogenic for Rare genetic deafness. Last evaluated: 2011-03-08. Review status: criteria provided, single submitter. Criteria: LMM Criteria. Collection method: clinical testing. Allele origin: germline. Observed: 6 variant alleles.
Comment: The Phe1963del variant in MYO7A has been previously reported in the literature i n three individual with clinical features of Usher syndrome and was not identifi ed in 352 control chromosomes (Roux 2006, Baux 2008 ? unpublished data from the UMD database). Two of these individuals had a second MYO7A variant and one indiv idual was homozygous for this variant. In addition, our laboratory has detected this variant as a compound heterozygous variant in two sets of affected siblings . The Phe1963del variant is predicted to cause an inframe deletion, which alters the protein's amino acid sequence by removing the phenylalanine amino acid at p osition 1963. In summary, this variant meets our criteria to be classified as pa thogenic.

Clinical Laboratory Sciences Program (CLSP), King Saud bin Abdulaziz University for Health Sciences (KSAU-HS)
Classification: Pathogenic for Autosomal recessive nonsyndromic hearing loss 2. Last evaluated: 2023-04-01. Review status: no assertion criteria provided. Collection method: clinical testing. Allele origin: germline. Affected: yes. Not counted in ClinVar's aggregate classification.

Literature cited by the submitters: PubMed 27460420 (cited by Natera, Inc.); PubMed 21436283 (cited by Natera, Inc.); PubMed 16679490 (cited by 4 submitters); PubMed 24199935 (cited by Labcorp Genetics (formerly Invitae), Labcorp and Ocular Genomics Institute, Massachusetts Eye and Ear); PubMed 29142287 (cited by 3 submitters); PubMed 30459346 (cited by 3 submitters); PubMed 31479088 (cited by Labcorp Genetics (formerly Invitae), Labcorp); PubMed 18484607 (cited by Ocular Genomics Institute, Massachusetts Eye and Ear and Laboratory for Molecular Medicine, Mass General Brigham Personalized Medicine).